The following is an entry in ClinVar:

NM_000260.4(MYO7A):c.2455C>T (p.Gln819Ter)

Gene: MYO7A (myosin VIIA; plus strand). Cytogenetic location: 11q13.5.
Variant type: single nucleotide variant.
Coding change: c.2455C>T on transcript NM_000260.4 (MANE Select); coding-DNA position 2455, C replaced by T.
Protein change: p.Gln819Ter; replaces glutamine 819 with a stop codon.
Molecular consequence: nonsense.
Genome position (GRCh38, 1-based): chr11:77,179,822, C>T. VCF-style: chr11-77179822-C-T. GRCh37 (hg19) VCF-style: chr11-76890868-C-T.
Other names: c.2455C>T, p.Gln819Ter (NM_001127180.2); c.2422C>T, p.Gln808Ter (NM_001369365.1); short protein forms Q808*, Q819*.
Identifiers: ClinVar variation 984292 (VCV000984292.3), dbSNP rs1955017383, ClinGen allele CA381941667.

ClinVar aggregate classification (germline): Likely pathogenic (1 of 4 stars; one submission).

Conditions:
Usher syndrome type 1 (USH1). Also called: RETINITIS PIGMENTOSA AND CONGENITAL DEAFNESS. Identifiers: Orphanet 231169, Orphanet 886, MedGen C1568247, MONDO:0010168, OMIM 276900.

Allele frequency attached by ClinVar (database versions not stated): gnomAD exomes below 0.00001.
gnomAD v4.1: 1 of 1,546,174 alleles (0.000065%); highest among the groups gnomAD compares: Admixed American, 0.0019%; no homozygotes.

Submission:

Myriad Genetics, Inc.
Classification: Likely pathogenic for Usher syndrome type 1. Last evaluated: 2019-01-14. Review status: criteria provided, single submitter. Criteria: Myriad Women's Health Autosomal Recessive and X-Linked Classification Criteria (2019). Collection method: clinical testing. Allele origin: unknown.
Comment: NM_000260.3(MYO7A):c.2455C>T(Q819*) is expected to be pathogenic in the context of MYO7A-related disorders. This variant is predicted to lead to an abnormal or absent protein product due to the creation of a premature termination codon in MYO7A, a gene where loss-of-function variants are known to be pathogenic. Please note: this variant was assessed in the context of healthy population screening.